The following is an entry in ClinVar:

ClinVar aggregate classification (germline): Uncertain significance. Review status: criteria provided, multiple submitters, no conflicts (2 of 4 stars). 2 submissions from 2 submitters: Uncertain significance (2). Last evaluated 2026-04-21.

Conditions:
Inborn genetic diseases. Identifiers: MedGen C0950123, MeSH D030342.

Submissions (2):

GeneDx
Classification: Uncertain significance. Last evaluated: 2026-04-21. Review status: criteria provided, single submitter. Criteria: GeneDx Variant Classification Process June 2021. Collection method: clinical testing. Allele origin: germline.
Comment: Not observed at significant frequency in large population cohorts (gnomAD); In silico analysis supports that this missense variant has a deleterious effect on protein structure/function; Has not been previously published as pathogenic or benign to our knowledge; In silico analysis suggests this variant may impact gene splicing. In the absence of RNA/functional studies, the actual effect of this sequence change is unknown

Ambry Genetics
Classification: Uncertain significance for Inborn genetic diseases. Last evaluated: 2025-12-04. Review status: criteria provided, single submitter. Criteria: Ambry Variant Classification Scheme 2023. Collection method: clinical testing. Allele origin: germline.

NM_003791.4(MBTPS1):c.2225C>G (p.Thr742Arg)

Gene: MBTPS1 (membrane bound transcription factor peptidase, site 1; minus strand). Cytogenetic location: 16q23.3.
Variant type: single nucleotide variant.
Coding change: c.2225C>G on transcript NM_003791.4 (MANE Select); coding-DNA position 2225, C replaced by G.
Protein change: p.Thr742Arg; replaces threonine 742 with arginine.
Molecular consequence: missense variant.
Genome position (GRCh38, 1-based): chr16:84,067,670, G>C on the plus strand (C>G on the coding strand, the complement: MBTPS1 is on the minus strand). VCF-style: chr16-84067670-G-C. GRCh37 (hg19) VCF-style: chr16-84101275-G-C.
Other names: c.2225C>G (NM_003791.3); short protein forms T742R.
Identifiers: ClinVar variation 4624477 (VCV004624477.2).